The following is an entry in ClinVar:

ClinVar aggregate classification (germline): Uncertain significance (1 of 4 stars; one submission).

Conditions:
Myopathy, proximal, and ophthalmoplegia (CMYO6). Also called: MYOPATHY WITH CONGENITAL JOINT CONTRACTURES, OPHTHALMOPLEGIA, AND RIMMED VACUOLES; INCLUSION BODY MYOPATHY 3, AUTOSOMAL DOMINANT; CONGENITAL MYOPATHY 6 WITH OPHTHALMOPLEGIA. Identifiers: Orphanet 363677, Orphanet 79091, MedGen C1854106, MONDO:0011577, OMIM 605637.

Submission:

Labcorp Genetics (formerly Invitae), Labcorp
Classification: Uncertain significance for Myopathy, proximal, and ophthalmoplegia. Last evaluated: 2019-10-31. Review status: criteria provided, single submitter. Criteria: Invitae Variant Classification Sherloc (09022015). Collection method: clinical testing. Allele origin: germline.
Comment: This sequence change replaces alanine with valine at codon 1068 of the MYH2 protein (p.Ala1068Val). The alanine residue is highly conserved and there is a small physicochemical difference between alanine and valine. In summary, the available evidence is currently insufficient to determine the role of this variant in disease. Therefore, it has been classified as a Variant of Uncertain Significance. Algorithms developed to predict the effect of missense changes on protein structure and function are either unavailable or do not agree on the potential impact of this missense change (SIFT: "Deleterious"; PolyPhen-2: "Benign"; Align-GVGD: "Class C0"). This variant has not been reported in the literature in individuals with MYH2-related conditions. This variant is not present in population databases (ExAC no frequency).

NM_017534.6(MYH2):c.3203C>T (p.Ala1068Val)

Genes: MYHAS (myosin heavy chain gene cluster antisense RNA; plus strand), MYH2 (myosin heavy chain 2; minus strand). Cytogenetic location: 17p13.1.
Variant type: single nucleotide variant.
Coding change: c.3203C>T on transcript NM_017534.6 (MANE Select); coding-DNA position 3203, C replaced by T.
Protein change: p.Ala1068Val; replaces alanine 1068 with valine.
Molecular consequence: missense variant.
Genome position (GRCh38, 1-based): chr17:10,529,396, G>A on the plus strand (C>T on the coding strand, the complement: MYH2 is on the minus strand). VCF-style: chr17-10529396-G-A. GRCh37 (hg19) VCF-style: chr17-10432713-G-A.
Other names: c.3203C>T, p.Ala1068Val (NM_001100112.2); short protein forms A1068V.
Identifiers: ClinVar variation 960434 (VCV000960434.7), dbSNP rs2073396657, ClinGen allele CA398138398.